The following is an entry in ClinVar:

ClinVar aggregate classification (germline): Pathogenic (1 of 4 stars; one submission).

Submission:

Labcorp Genetics (formerly Invitae), Labcorp
Classification: Pathogenic. Last evaluated: 2024-06-22. Review status: criteria provided, single submitter. Criteria: Invitae Variant Classification Sherloc (09022015). Collection method: clinical testing. Allele origin: germline.
Comment: This sequence change creates a premature translational stop signal (p.Met880Trpfs*29) in the NEXMIF gene. It is expected to result in an absent or disrupted protein product. Loss-of-function variants in NEXMIF are known to be pathogenic (PMID: 23615299). This variant is not present in population databases (gnomAD no frequency). This variant has not been reported in the literature in individuals affected with NEXMIF-related conditions. For these reasons, this variant has been classified as Pathogenic.

Literature cited by the submitters: PubMed 23615299.

NM_001008537.3(NEXMIF):c.2638del (p.Met880fs)

Gene: NEXMIF (neurite extension and migration factor; minus strand). Cytogenetic location: Xq13.3.
Variant type: Deletion.
Coding change: c.2638del on transcript NM_001008537.3 (MANE Select); coding-DNA position 2638, one base deleted (A; older notation c.2638delA).
Protein change: p.Met880fs; shifts the reading frame from methionine 880.
Molecular consequence: frameshift variant.
Genome position (GRCh38, 1-based): chrX:74,741,919, T deleted on the plus strand (A on the coding strand, the reverse complement: NEXMIF is on the minus strand); the first of 4 consecutive T bases (chrX:74,741,919-74,741,922); deleting any one gives the same sequence. VCF-style (leftmost placement, unchanged base first): chrX-74741918-AT-A. GRCh37 (hg19) VCF-style: chrX-73961753-AT-A.
Other names: short protein forms M880fs.
Identifiers: ClinVar variation 3657355 (VCV003657355.2).